The following is an entry in ClinVar:

ClinVar aggregate classification (germline): Conflicting classifications of pathogenicity. Review status: criteria provided, conflicting classifications (1 of 4 stars). 3 submissions from 3 submitters: Uncertain significance (1); Likely benign (2). Last evaluated 2025-03-06.

Conditions:
Hereditary cancer-predisposing syndrome. Also called: Tumor predisposition; Hereditary Cancer Syndrome; Hereditary neoplastic syndrome; Neoplastic Syndromes, Hereditary. Identifiers: Orphanet 140162, MedGen C0027672, MeSH D009386, MONDO:0015356.
Hereditary breast ovarian cancer syndrome. Also called: BRCA1- and BRCA2-Associated Hereditary Breast and Ovarian Cancer; Hereditary breast and ovarian cancer; Hereditary breast and ovarian cancer syndrome; Hereditary breast and ovarian cancer syndrome (HBOC); Breast and ovarian cancer; Hereditary breast and/or ovarian cancer syndrome. Identifiers: Orphanet 145, MedGen C0677776, MeSH D061325, MONDO:0003582. Disease mechanism: loss of function.

Submissions (3):

Ambry Genetics
Classification: Likely benign for Hereditary cancer-predisposing syndrome. Last evaluated: 2025-03-06. Review status: criteria provided, single submitter. Criteria: Ambry Variant Classification Scheme 2023. Collection method: clinical testing. Allele origin: germline.

University of Washington Department of Laboratory Medicine, University of Washington
Classification: Likely benign for Hereditary cancer-predisposing syndrome. Last evaluated: 2023-03-23. Review status: criteria provided, single submitter. Criteria: Dines et al. (Genet Med. 2020). Collection method: curation. Allele origin: germline.
Comment: Missense variant in a coldspot region where missense variants are very unlikely to be pathogenic (PMID:31911673).

BRCA2 exon 11 coldspot. Reclassification based on statistical prior probability.

Labcorp Genetics (formerly Invitae), Labcorp
Classification: Uncertain significance for Hereditary breast ovarian cancer syndrome. Last evaluated: 2022-10-06. Review status: criteria provided, single submitter. Criteria: Invitae Variant Classification Sherloc (09022015). Collection method: clinical testing. Allele origin: germline.
Comment: This sequence change replaces valine, which is neutral and non-polar, with isoleucine, which is neutral and non-polar, at codon 681 of the BRCA2 protein (p.Val681Ile). This variant is not present in population databases (gnomAD no frequency). This variant has not been reported in the literature in individuals affected with BRCA2-related conditions. ClinVar contains an entry for this variant (Variation ID: 1468694). Advanced modeling of protein sequence and biophysical properties (such as structural, functional, and spatial information, amino acid conservation, physicochemical variation, residue mobility, and thermodynamic stability) performed at Invitae indicates that this missense variant is not expected to disrupt BRCA2 protein function. In summary, the available evidence is currently insufficient to determine the role of this variant in disease. Therefore, it has been classified as a Variant of Uncertain Significance.

NM_000059.4(BRCA2):c.2041G>A (p.Val681Ile)

Gene: BRCA2 (BRCA2 DNA repair associated; plus strand). Cytogenetic location: 13q13.1.
Variant type: single nucleotide variant.
Coding change: c.2041G>A on transcript NM_000059.4 (MANE Select); coding-DNA position 2041, G replaced by A.
Protein change: p.Val681Ile; replaces valine 681 with isoleucine.
Molecular consequence: missense variant.
Genome position (GRCh38, 1-based): chr13:32,336,396, G>A. VCF-style: chr13-32336396-G-A. GRCh37 (hg19) VCF-style: chr13-32910533-G-A.
Other names: c.2041G>A (NM_000059.3); short protein forms V681I.
Identifiers: ClinVar variation 1468694 (VCV001468694.6), dbSNP rs2072449369, ClinGen allele CA387768927.